The following is an entry in ClinVar:

ClinVar aggregate classification (germline): Uncertain significance (1 of 4 stars; one submission).

Conditions:
Hereditary cancer-predisposing syndrome. Also called: Hereditary neoplastic syndrome; Neoplastic Syndromes, Hereditary; Tumor predisposition; Hereditary Cancer Syndrome. Identifiers: Orphanet 140162, MedGen C0027672, MeSH D009386, MONDO:0015356.

Submission:

Ambry Genetics
Classification: Uncertain significance for Hereditary cancer-predisposing syndrome. Last evaluated: 2025-07-01. Review status: criteria provided, single submitter. Criteria: Ambry Variant Classification Scheme 2023. Collection method: clinical testing. Allele origin: germline.
Comment: The c.-2A>C variant is located in the 5' untranslated region (5&rsquo; UTR) of the PTCH1 gene. This variant results from an A to C substitution 2 bases upstream from the first translated codon. This nucleotide position is well conserved in available vertebrate species. Based on the available evidence, the clinical significance of this variant remains unclear.

NM_000264.5(PTCH1):c.-2A>C

Genes: PTCH1 (patched 1; minus strand), LOC130002133 (ATAC-STARR-seq lymphoblastoid silent region 20071; plus strand). Cytogenetic location: 9q22.32.
Variant type: single nucleotide variant.
Coding change: c.-2A>C on transcript NM_000264.5 (MANE Select); 2 bases upstream of the start codon, A replaced by C.
Molecular consequence: 5 prime UTR variant. On other transcripts: non-coding transcript variant (1), intron variant (3).
Genome position (GRCh38, 1-based): chr9:95,508,363, T>G on the plus strand (A>C on the coding strand, the complement: PTCH1 is on the minus strand). VCF-style: chr9-95508363-T-G. GRCh37 (hg19) VCF-style: chr9-98270645-T-G.
Other names: c.-2A>C (NM_001354918.2); c.199-1764A>C (NM_001083603.3); c.4-1764A>C (NM_001083602.3, NM_001354919.2).
Identifiers: ClinVar variation 4146826 (VCV004146826.1).